The following is an entry in ClinVar:

NM_001903.5(CTNNA1):c.955_957dup (p.Met319dup)

Gene: CTNNA1 (catenin alpha 1; plus strand). Cytogenetic location: 5q31.2.
Variant type: Duplication.
Coding change: c.955_957dup on transcript NM_001903.5 (MANE Select); coding-DNA positions 955 to 957, 3 bases duplicated (ATG; older notation c.955_957dupATG).
Protein change: p.Met319dup; duplicates methionine 319.
Molecular consequence: inframe insertion.
Genome position (GRCh38, 1-based): chr5:138,827,611-138,827,613, ATG duplicated; duplicating any 3 consecutive bases within chr5:138,827,609-138,827,613 gives the same sequence; the c. name uses the placement nearest the transcript's 3' end. VCF-style (leftmost placement, unchanged base first): chr5-138827608-T-TTGA. GRCh37 (hg19) VCF-style: chr5-138163297-T-TTGA.
Other names: c.955_957dup, p.Met319dup (NM_001290307.3, NM_001323982.2, NM_001323983.1 and 3 more transcripts); c.646_648dup, p.Met216dup (NM_001290309.3); c.586_588dup, p.Met196dup (NM_001290310.3); c.955_957dupATG (NM_001903.2).
Identifiers: ClinVar variation 1402931 (VCV001402931.7), dbSNP rs942251369, ClinGen allele CA128231209.

ClinVar aggregate classification (germline): Uncertain significance. Review status: criteria provided, multiple submitters, no conflicts (2 of 4 stars). 2 submissions from 2 submitters: Uncertain significance (2). Last evaluated 2024-04-02.

Conditions:
Hereditary cancer-predisposing syndrome. Also called: Hereditary neoplastic syndrome; Hereditary Cancer Syndrome; Neoplastic Syndromes, Hereditary; Tumor predisposition. Identifiers: Orphanet 140162, MedGen C0027672, MeSH D009386, MONDO:0015356.

Submissions (2):

Ambry Genetics
Classification: Uncertain significance for Hereditary cancer-predisposing syndrome. Last evaluated: 2024-04-02. Review status: criteria provided, single submitter. Criteria: Ambry Variant Classification Scheme 2023. Collection method: clinical testing. Allele origin: germline.
Comment: The c.955_957dupATG variant (also known as p.M319dup), located in coding exon 6 of the CTNNA1 gene, results from an in-frame duplication of ATG at nucleotide positions 955 to 957. This results in the duplication of an extra methionine residue between codons 319 and 320. This amino acid position is highly conserved in available vertebrate species. In addition, this alteration is predicted to be deleterious by in silico analysis (Choi Y et al. PLoS ONE. 2012; 7(10):e46688). The evidence for this gene-disease relationship is limited; therefore, the clinical significance of this alteration is unclear.

Labcorp Genetics (formerly Invitae), Labcorp
Classification: Uncertain significance. Last evaluated: 2022-08-10. Review status: criteria provided, single submitter. Criteria: Invitae Variant Classification Sherloc (09022015). Collection method: clinical testing. Allele origin: germline.
Comment: In summary, the available evidence is currently insufficient to determine the role of this variant in disease. Therefore, it has been classified as a Variant of Uncertain Significance. Experimental studies and prediction algorithms are not available or were not evaluated, and the functional significance of this variant is currently unknown. ClinVar contains an entry for this variant (Variation ID: 1402931). This variant has not been reported in the literature in individuals affected with CTNNA1-related conditions. This variant is not present in population databases (gnomAD no frequency). This variant, c.955_957dup, results in the insertion of 1 amino acid(s) of the CTNNA1 protein (p.Met319dup), but otherwise preserves the integrity of the reading frame.